The following is an entry in ClinVar:

NM_000553.6(WRN):c.4139A>G (p.Glu1380Gly)

Gene: WRN (WRN RecQ like helicase; plus strand). Cytogenetic location: 8p12.
Variant type: single nucleotide variant.
Coding change: c.4139A>G on transcript NM_000553.6 (MANE Select); coding-DNA position 4139, A replaced by G.
Protein change: p.Glu1380Gly; replaces glutamic acid 1380 with glycine.
Molecular consequence: missense variant.
Genome position (GRCh38, 1-based): chr8:31,167,178, A>G. VCF-style: chr8-31167178-A-G. GRCh37 (hg19) VCF-style: chr8-31024694-A-G.
Other names: short protein forms E1380G.
Identifiers: ClinVar variation 660312 (VCV000660312.5), dbSNP rs763538154, ClinGen allele CA4705269.

ClinVar aggregate classification (germline): Uncertain significance (1 of 4 stars; one submission).

Conditions:
Werner syndrome (WRN). Identifiers: Orphanet 902, MedGen C0043119, MONDO:0010196, OMIM 277700.

Allele frequency attached by ClinVar (database versions not stated): gnomAD 0.00001; gnomAD exomes 0.00001 and 0.00002; ExAC 0.00002.
gnomAD v4.1: 26 of 1,613,220 alleles (0.0016%); highest among the groups gnomAD compares: Non-Finnish European, 0.0022%; no homozygotes.

Submission:

Labcorp Genetics (formerly Invitae), Labcorp
Classification: Uncertain significance for Werner syndrome. Last evaluated: 2022-10-04. Review status: criteria provided, single submitter. Criteria: Invitae Variant Classification Sherloc (09022015). Collection method: clinical testing. Allele origin: germline.
Comment: This sequence change replaces glutamic acid, which is acidic and polar, with glycine, which is neutral and non-polar, at codon 1380 of the WRN protein (p.Glu1380Gly). This variant is present in population databases (rs763538154, gnomAD 0.003%). This variant has not been reported in the literature in individuals affected with WRN-related conditions. ClinVar contains an entry for this variant (Variation ID: 660312). Algorithms developed to predict the effect of missense changes on protein structure and function are either unavailable or do not agree on the potential impact of this missense change (SIFT: "Not Available"; PolyPhen-2: "Benign"; Align-GVGD: "Not Available"). In summary, the available evidence is currently insufficient to determine the role of this variant in disease. Therefore, it has been classified as a Variant of Uncertain Significance.